The following is an entry in ClinVar:

ClinVar aggregate classification (germline): Uncertain significance. Review status: criteria provided, multiple submitters, no conflicts (2 of 4 stars). 4 submissions from 4 submitters: Uncertain significance (4). Last evaluated 2025-06-06.

Conditions:
Hereditary cancer-predisposing syndrome. Also called: Neoplastic Syndromes, Hereditary; Tumor predisposition; Hereditary Cancer Syndrome; Hereditary neoplastic syndrome. Identifiers: Orphanet 140162, MedGen C0027672, MeSH D009386, MONDO:0015356.
Classic or attenuated familial adenomatous polyposis. Identifiers: MedGen CN372698, MONDO:0021057.
Familial adenomatous polyposis 1 (FAP1). Also called: FAMILIAL ADENOMATOUS POLYPOSIS 1, ATTENUATED; POLYPOSIS, ADENOMATOUS INTESTINAL. Identifiers: MedGen C2713442, MONDO:0021056, OMIM 175100. Disease mechanism: loss of function.

Allele frequency attached by ClinVar (database versions not stated): gnomAD exomes below 0.00001; TOPMed 0.00001.
gnomAD v4.1: 3 of 1,614,106 alleles (0.00019%); highest among the groups gnomAD compares: East Asian, 0.0022%; no homozygotes.

Submissions (4):

Ambry Genetics
Classification: Uncertain significance for Hereditary cancer-predisposing syndrome. Last evaluated: 2025-06-06. Review status: criteria provided, single submitter. Criteria: Ambry Variant Classification Scheme 2023. Collection method: clinical testing. Allele origin: germline.
Comment: The p.K1734R variant (also known as c.5201A>G), located in coding exon 15 of the APC gene, results from an A to G substitution at nucleotide position 5201. The lysine at codon 1734 is replaced by arginine, an amino acid with highly similar properties. This amino acid position is highly conserved in available vertebrate species. Missense alterations in APC are not a common cause of disease (Spier I et al. Genet Med. 2024 Feb;26(2):100992). Based on the available evidence, the clinical significance of this variant remains unclear.

Labcorp Genetics (formerly Invitae), Labcorp
Classification: Uncertain significance for Familial adenomatous polyposis 1. Last evaluated: 2025-03-04. Review status: criteria provided, single submitter. Criteria: Invitae Variant Classification Sherloc (09022015). Collection method: clinical testing. Allele origin: germline.
Comment: This sequence change replaces lysine, which is basic and polar, with arginine, which is basic and polar, at codon 1734 of the APC protein (p.Lys1734Arg). This variant is not present in population databases (gnomAD no frequency). This missense change has been observed in individual(s) with APC-related conditions (PMID: 36243179, 36896836). ClinVar contains an entry for this variant (Variation ID: 923711). Invitae Evidence Modeling of protein sequence and biophysical properties (such as structural, functional, and spatial information, amino acid conservation, physicochemical variation, residue mobility, and thermodynamic stability) indicates that this missense variant is not expected to disrupt APC protein function with a negative predictive value of 95%. In summary, the available evidence is currently insufficient to determine the role of this variant in disease. Therefore, it has been classified as a Variant of Uncertain Significance.

All of Us Research Program, National Institutes of Health
Classification: Uncertain significance for Classic or attenuated familial adenomatous polyposis. Last evaluated: 2023-08-15. Review status: criteria provided, single submitter. Criteria: ACMG Guidelines, 2015. Collection method: clinical testing. Allele origin: germline. Inheritance: Autosomal dominant inheritance. Observed: 1 variant allele, 1 heterozygote.
Comment: This study involves interpretation of variants in research participants for the purpose of population health screening. Participant phenotype was not available at the time of variant classification. Additional details can be found in publication PMID: 35346344, PMCID: PMC8962531

Color Diagnostics, LLC DBA Color Health
Classification: Uncertain significance for Hereditary cancer-predisposing syndrome. Last evaluated: 2019-04-16. Review status: criteria provided, single submitter. Criteria: ACMG Guidelines, 2015. Collection method: clinical testing. Allele origin: germline.

Literature cited by the submitters: PubMed 36243179 (cited by Labcorp Genetics (formerly Invitae), Labcorp); PubMed 36896836 (cited by Labcorp Genetics (formerly Invitae), Labcorp).

NM_000038.6(APC):c.5201A>G (p.Lys1734Arg)

Gene: APC (APC regulator of Wnt signaling pathway; plus strand). Cytogenetic location: 5q22.2.
Variant type: single nucleotide variant.
Coding change: c.5201A>G on transcript NM_000038.6 (MANE Select); coding-DNA position 5201, A replaced by G.
Protein change: p.Lys1734Arg; replaces lysine 1734 with arginine.
Molecular consequence: missense variant.
Genome position (GRCh38, 1-based): chr5:112,840,795, A>G. VCF-style: chr5-112840795-A-G. GRCh37 (hg19) VCF-style: chr5-112176492-A-G.
Other names: c.5201A>G, p.Lys1734Arg (NM_001127510.3, NM_001354895.2); c.5147A>G, p.Lys1716Arg (NM_001127511.3); c.5255A>G, p.Lys1752Arg (NM_001354896.2); c.5231A>G, p.Lys1744Arg (NM_001354897.2); c.5126A>G, p.Lys1709Arg (NM_001354898.2); c.5117A>G, p.Lys1706Arg (NM_001354899.2); c.5078A>G, p.Lys1693Arg (NM_001354900.2); c.5024A>G, p.Lys1675Arg (NM_001354901.2); and 5 more; short protein forms K1451R, K1608R, K1633R, K1675R, K1709R, K1752R, K1734R, K1693R.
Identifiers: ClinVar variation 923711 (VCV000923711.12), dbSNP rs1204161988, ClinGen allele CA16032699.